The following is an entry in ClinVar:

NM_022765.4(MICAL1):c.1936C>T (p.Arg646Trp)

Gene: MICAL1 (microtubule associated monooxygenase, calponin and LIM domain containing 1; minus strand). Cytogenetic location: 6q21.
Variant type: single nucleotide variant.
Coding change: c.1936C>T on transcript NM_022765.4 (MANE Select); coding-DNA position 1936, C replaced by T.
Protein change: p.Arg646Trp; replaces arginine 646 with tryptophan.
Molecular consequence: missense variant.
Genome position (GRCh38, 1-based): chr6:109,447,883, G>A on the plus strand (C>T on the coding strand, the complement: MICAL1 is on the minus strand). VCF-style: chr6-109447883-G-A. GRCh37 (hg19) VCF-style: chr6-109769086-G-A.
Other names: c.1936C>T (NM_022765.3); c.1678C>T, p.Arg560Trp (NM_001159291.2); c.1993C>T, p.Arg665Trp (NM_001286613.2); short protein forms R665W, R560W, R646W.
Identifiers: ClinVar variation 1515137 (VCV001515137.7), dbSNP rs765813919, ClinGen allele CA3953166.

ClinVar aggregate classification (germline): Uncertain significance. Review status: criteria provided, multiple submitters, no conflicts (2 of 4 stars). 2 submissions from 2 submitters: Uncertain significance (2). Last evaluated 2025-08-14.

Allele frequency attached by ClinVar (database versions not stated): ExAC 0.00001; gnomAD exomes 0.00002.
gnomAD v4.1: 18 of 1,613,216 alleles (0.0011%); highest among the groups gnomAD compares: East Asian, 0.011%; no homozygotes.

Submissions (2):

Ambry Genetics
Classification: Uncertain significance. Last evaluated: 2025-08-14. Review status: criteria provided, single submitter. Criteria: Ambry Variant Classification Scheme 2023. Collection method: clinical testing. Allele origin: germline.

Labcorp Genetics (formerly Invitae), Labcorp
Classification: Uncertain significance. Last evaluated: 2025-03-27. Review status: criteria provided, single submitter. Criteria: Invitae Variant Classification Sherloc (09022015). Collection method: clinical testing. Allele origin: germline.
Comment: This sequence change replaces arginine, which is basic and polar, with tryptophan, which is neutral and slightly polar, at codon 665 of the MICAL1 protein (p.Arg665Trp). This variant is present in population databases (rs765813919, gnomAD 0.006%). This variant has not been reported in the literature in individuals affected with MICAL1-related conditions. ClinVar contains an entry for this variant (Variation ID: 1515137). An algorithm developed to predict the effect of missense changes on protein structure and function (PolyPhen-2) suggests that this variant is likely to be disruptive. In summary, the available evidence is currently insufficient to determine the role of this variant in disease. Therefore, it has been classified as a Variant of Uncertain Significance.